The following is an entry in ClinVar:

ClinVar aggregate classification (germline): Pathogenic. Review status: criteria provided, multiple submitters, no conflicts (2 of 4 stars). 2 submissions from 2 submitters: Pathogenic (2). Last evaluated 2024-11-19.

Conditions:
ABCA4-related disorder. Also called: ABCA4-related condition; ABCA4-related disorders. Identifiers: MedGen CN239167.

Allele frequency attached by ClinVar (database versions not stated): gnomAD exomes below 0.00001.
gnomAD v4.1: 2 of 1,614,180 alleles (0.00012%); highest among the groups gnomAD compares: Non-Finnish European, 0.00017%; no homozygotes.

Submissions (2):

Labcorp Genetics (formerly Invitae), Labcorp
Classification: Pathogenic. Last evaluated: 2024-11-19. Review status: criteria provided, single submitter. Criteria: Invitae Variant Classification Sherloc (09022015). Collection method: clinical testing. Allele origin: germline.
Comment: This sequence change replaces glycine, which is neutral and non-polar, with arginine, which is basic and polar, at codon 618 of the ABCA4 protein (p.Gly618Arg). This variant is not present in population databases (gnomAD no frequency). This missense change has been observed in individual(s) with Stargardt disease (PMID: 22661472). In at least one individual the data is consistent with being in trans (on the opposite chromosome) from a pathogenic variant. ClinVar contains an entry for this variant (Variation ID: 867085). Invitae Evidence Modeling of protein sequence and biophysical properties (such as structural, functional, and spatial information, amino acid conservation, physicochemical variation, residue mobility, and thermodynamic stability) indicates that this missense variant is expected to disrupt ABCA4 protein function with a positive predictive value of 95%. This variant disrupts the p.Gly618 amino acid residue in ABCA4. Other variant(s) that disrupt this residue have been observed in individuals with ABCA4-related conditions (PMID: 15494742), which suggests that this may be a clinically significant amino acid residue. For these reasons, this variant has been classified as Pathogenic.

Blueprint Genetics
Classification: Pathogenic for ABCA4-related disorders. Last evaluated: 2022-03-21. Review status: criteria provided, single submitter. Criteria: ACMG Guidelines, 2015. Collection method: clinical testing. Allele origin: germline. Affected: yes. Observed: 3 variant alleles.

Literature cited by the submitters: PubMed 22661472 (cited by Labcorp Genetics (formerly Invitae), Labcorp); PubMed 15494742 (cited by Labcorp Genetics (formerly Invitae), Labcorp).

NM_000350.3(ABCA4):c.1852G>A (p.Gly618Arg)

Gene: ABCA4 (ATP binding cassette subfamily A member 4; minus strand). Cytogenetic location: 1p22.1.
Variant type: single nucleotide variant.
Coding change: c.1852G>A on transcript NM_000350.3 (MANE Select); coding-DNA position 1852, G replaced by A.
Protein change: p.Gly618Arg; replaces glycine 618 with arginine.
Molecular consequence: missense variant.
Genome position (GRCh38, 1-based): chr1:94,062,662, C>T on the plus strand (G>A on the coding strand, the complement: ABCA4 is on the minus strand). VCF-style: chr1-94062662-C-T. GRCh37 (hg19) VCF-style: chr1-94528218-C-T.
Other names: c.1852G>A, p.Gly618Arg (NM_001425324.1); short protein forms G618R.
Identifiers: ClinVar variation 867085 (VCV000867085.9), dbSNP rs1661163134, ClinGen allele CA341279454.
Genomic context (GRCh38, chr1:94,062,662, plus strand): 5'-GCATCTGCTGGAGGTAGATTCCAACTGGAGCCTCCGCCTGCACCTGGCTCCTTGTGATCC[C>T]CTGTTCAACCATGTCCTGCAGATAGGCAAACCCGCCCCAGATGTACCGGAAATCTTCCAC-3'
Protein context (NP_000341.2, residues 608-628): FAYLQDMVEQ[Gly618Arg]ITRSQVQAEA